The following is an entry in ClinVar:

ClinVar aggregate classification (germline): Pathogenic (1 of 4 stars; one submission).

Submission:

Labcorp Genetics (formerly Invitae), Labcorp
Classification: Pathogenic. Last evaluated: 2023-06-04. Review status: criteria provided, single submitter. Criteria: Invitae Variant Classification Sherloc (09022015). Collection method: clinical testing. Allele origin: germline.
Comment: For these reasons, this variant has been classified as Pathogenic. This variant has not been reported in the literature in individuals affected with GRIP1-related conditions. This variant is not present in population databases (gnomAD no frequency). This sequence change creates a premature translational stop signal (p.Gly169*) in the GRIP1 gene. It is expected to result in an absent or disrupted protein product. Loss-of-function variants in GRIP1 are known to be pathogenic (PMID: 22510445, 24357607).

Literature cited by the submitters: PubMed 22510445; PubMed 24357607.

NM_001366722.1(GRIP1):c.505G>T (p.Gly169Ter)

Gene: GRIP1 (glutamate receptor interacting protein 1; minus strand). Cytogenetic location: 12q14.3.
Variant type: single nucleotide variant.
Coding change: c.505G>T on transcript NM_001366722.1 (MANE Select); coding-DNA position 505, G replaced by T.
Protein change: p.Gly169Ter; replaces glycine 169 with a stop codon.
Molecular consequence: nonsense.
Genome position (GRCh38, 1-based): chr12:66,517,974, C>A on the plus strand (G>T on the coding strand, the complement: GRIP1 is on the minus strand). VCF-style: chr12-66517974-C-A. GRCh37 (hg19) VCF-style: chr12-66911754-C-A.
Other names: c.505G>T, p.Gly169Ter (NM_001178074.2, NM_001379346.1, NM_021150.4); c.583G>T, p.Gly195Ter (NM_001366723.1, NM_001366724.1, NM_001379345.1 and 2 more transcripts); c.508G>T, p.Gly170Ter (NM_001379349.1, NM_001379351.1); short protein forms G169*, G195*, G170*.
Identifiers: ClinVar variation 2768789 (VCV002768789.3), dbSNP rs2502070822, ClinGen allele CA385623994.
Genomic context (GRCh38, chr12:66,517,974, plus strand): 5'-CTCCAGGACGAACACATGTTATCACAACTGGACGAGATTTATTTCTATCATCATGTGCTC[C>A]CCCTAGCAAAGAAAAGGAACAGAGCTTAAAACTGCTTTCATTGTTGGCATTTAAAAAAAA-3'